The following is an entry in ClinVar:

ClinVar aggregate classification (germline): Pathogenic. Review status: criteria provided, multiple submitters, no conflicts (2 of 4 stars). 2 submissions from 2 submitters: Pathogenic (2). Last evaluated 2024-05-14.

Conditions:
Primary ciliary dyskinesia. Also called: Ciliary dyskinesia. Identifiers: Orphanet 244, MedGen C0008780, MONDO:0016575, HP:0012265.
Primary ciliary dyskinesia 3. Identifiers: Orphanet 244, MedGen C1837618, MONDO:0012085, OMIM 608644.

Submissions (2):

Myriad Genetics, Inc.
Classification: Pathogenic for Primary ciliary dyskinesia 3. Last evaluated: 2024-05-14. Review status: criteria provided, single submitter. Criteria: Myriad Autosomal Dominant, Autosomal Recessive and X-Linked Classification Criteria (2023). Collection method: clinical testing. Allele origin: unknown.
Comment: NM_001369.2(DNAH5):c.9354dupC(K3119Qfs*9) is expected to be pathogenic in the context of primary ciliary dyskinesia, DNAH5-related. This variant is predicted to lead to an abnormal or absent protein product due to the creation of a premature termination codon in DNAH5, a gene where loss-of-function variants are known to be pathogenic. Please note: this variant was assessed in the context of healthy population screening.

Labcorp Genetics (formerly Invitae), Labcorp
Classification: Pathogenic for Primary ciliary dyskinesia. Last evaluated: 2023-10-07. Review status: criteria provided, single submitter. Criteria: Invitae Variant Classification Sherloc (09022015). Collection method: clinical testing. Allele origin: germline.
Comment: This sequence change creates a premature translational stop signal (p.Lys3119Glnfs*9) in the DNAH5 gene. It is expected to result in an absent or disrupted protein product. Loss-of-function variants in DNAH5 are known to be pathogenic (PMID: 11788826, 16627867). This variant is not present in population databases (gnomAD no frequency). This variant has not been reported in the literature in individuals affected with DNAH5-related conditions. For these reasons, this variant has been classified as Pathogenic.

Literature cited by the submitters: PubMed 11788826 (cited by Labcorp Genetics (formerly Invitae), Labcorp); PubMed 16627867 (cited by Labcorp Genetics (formerly Invitae), Labcorp).

NM_001369.3(DNAH5):c.9354dup (p.Lys3119fs)

Gene: DNAH5 (dynein axonemal heavy chain 5; minus strand). Cytogenetic location: 5p15.2.
Variant type: Duplication.
Coding change: c.9354dup on transcript NM_001369.3 (MANE Select); coding-DNA position 9354, one base duplicated (C; older notation c.9354dupC).
Protein change: p.Lys3119fs; shifts the reading frame from lysine 3119.
Molecular consequence: frameshift variant.
Genome position (GRCh38, 1-based): chr5:13,776,458, G duplicated on the plus strand (C on the coding strand, the reverse complement: DNAH5 is on the minus strand); the first of 3 consecutive G bases (chr5:13,776,458-13,776,460); duplicating any one gives the same sequence. VCF-style (leftmost placement, unchanged base first): chr5-13776457-T-TG. GRCh37 (hg19) VCF-style: chr5-13776566-T-TG.
Other names: short protein forms K3119fs.
Identifiers: ClinVar variation 2890437 (VCV002890437.4), dbSNP rs2546678617, ClinGen allele CA2739274613.